The following is an entry in ClinVar:

NM_018489.3(ASH1L):c.2636A>G (p.Gln879Arg)

Gene: ASH1L (ASH1 like histone lysine methyltransferase; minus strand). Cytogenetic location: 1q22.
Variant type: single nucleotide variant.
Coding change: c.2636A>G on transcript NM_018489.3 (MANE Select); coding-DNA position 2636, A replaced by G.
Protein change: p.Gln879Arg; replaces glutamine 879 with arginine.
Molecular consequence: missense variant.
Genome position (GRCh38, 1-based): chr1:155,480,234, T>C on the plus strand (A>G on the coding strand, the complement: ASH1L is on the minus strand). VCF-style: chr1-155480234-T-C. GRCh37 (hg19) VCF-style: chr1-155450025-T-C.
Other names: c.2636A>G, p.Gln879Arg (NM_001366177.2); short protein forms Q879R.
Identifiers: ClinVar variation 2277429 (VCV002277429.12), dbSNP rs1217872164, ClinGen allele CA342723041.

ClinVar aggregate classification (germline): Conflicting classifications of pathogenicity. Review status: criteria provided, conflicting classifications (1 of 4 stars). 2 submissions from 2 submitters: Uncertain significance (1); Likely benign (1). Last evaluated 2025-05-01.

Conditions:
Inborn genetic diseases. Identifiers: MedGen C0950123, MeSH D030342.

Allele frequency attached by ClinVar (database versions not stated): TOPMed below 0.00001; gnomAD 0.00001; gnomAD exomes 0.00001.
gnomAD v4.1: 7 of 1,614,028 alleles (0.00043%); highest among the groups gnomAD compares: Non-Finnish European, 0.00059%; no homozygotes.

Submissions (2):

CeGaT Center for Human Genetics Tuebingen
Classification: Likely benign. Last evaluated: 2025-05-01. Review status: criteria provided, single submitter. Criteria: CeGaT Center For Human Genetics Tuebingen Variant Classification Criteria Version 2. Collection method: clinical testing. Allele origin: germline. Affected: yes. Observed: 1 variant allele.
Comment: ASH1L: BS2

Ambry Genetics
Classification: Uncertain significance for Inborn genetic diseases. Last evaluated: 2022-02-17. Review status: criteria provided, single submitter. Criteria: Ambry Variant Classification Scheme 2023. Collection method: clinical testing. Allele origin: germline.